The following is an entry in ClinVar:

ClinVar aggregate classification (germline): Conflicting classifications of pathogenicity. Review status: criteria provided, conflicting classifications (1 of 4 stars). 2 submissions from 2 submitters: Pathogenic (1); Uncertain significance (1). Last evaluated 2024-06-10.

Conditions:
Isolated microphthalmia 5. Also called: Posterior Microphthalmia with Retinitis Pigmentosa, Foveoschisis, and Optic Disc Drusen. Identifiers: Orphanet 251279, MedGen C1970236, MONDO:0012605, OMIM 611040.

Allele frequency attached by ClinVar (database versions not stated): gnomAD exomes 0.00001; gnomAD 0.00001; ExAC 0.00002; TOPMed 0.00006.
gnomAD v4.1: 17 of 1,613,898 alleles (0.0011%); highest among the groups gnomAD compares: East Asian, 0.036%; no homozygotes.

Submissions (2):

Gu's Lab, Ningxia Medical University
Classification: Uncertain significance for Isolated microphthalmia 5. Last evaluated: 2024-06-10. Review status: criteria provided, single submitter. Criteria: ACMG Guidelines, 2015. Collection method: clinical testing. Allele origin: germline. Affected: yes.

Juno Genomics, Hangzhou Juno Genomics, Inc
Classification: Pathogenic for Isolated microphthalmia 5. Review status: criteria provided, single submitter. Criteria: ACMG Guidelines, 2015. Collection method: clinical testing. Allele origin: germline. Affected: yes.
Comment: Absent from controls (or at extremely low frequency if recessive) in Genome Aggregation Database.;For recessive disorders, detected in trans with a pathogenic variant.;Patient's phenotype or family history is highly specific for a disease with a single genetic etiology.

NM_031433.4(MFRP):c.1486G>A (p.Glu496Lys)

Genes: C1QTNF5 (C1q and TNF related 5; minus strand), MFRP (membrane frizzled-related protein; minus strand). Cytogenetic location: 11q23.3.
Variant type: single nucleotide variant.
Coding change: c.1486G>A on transcript NM_031433.4 (MANE Select); coding-DNA position 1486, G replaced by A.
Protein change: p.Glu496Lys; replaces glutamic acid 496 with lysine.
Molecular consequence: missense variant. On other transcripts: 5 prime UTR variant (1).
Genome position (GRCh38, 1-based): chr11:119,341,886, C>T on the plus strand (G>A on the coding strand, the complement: MFRP is on the minus strand). VCF-style: chr11-119341886-C-T. GRCh37 (hg19) VCF-style: chr11-119212596-C-T.
Other names: c.-1151G>A (NM_015645.5); short protein forms E496K.
Identifiers: ClinVar variation 3241961 (VCV003241961.2), dbSNP rs760660188.
Genomic context (GRCh38, chr11:119,341,886, plus strand): 5'-GGCCCGCCCTCCTTCCCTCCACCCAGAAGACCTTGTAACCGCTGAGGACCTCTACCACCT[C>T]CTCCTGGGTGATCATGCCCACCCAGATGTTAGGGAAGGCTGTGGTGTTGTAGCTCAGACC-3'
Protein context (NP_113621.1, residues 486-506): NIWVGMITQE[Glu496Lys]VVEVLSGYKS